The following is an entry in ClinVar:

ClinVar aggregate classification (germline): Uncertain significance (1 of 4 stars; one submission).

Conditions:
Pitt-Hopkins-like syndrome 2 (PTHSL2). Identifiers: Orphanet 221150, Orphanet 600663, MedGen C3280479, MONDO:0013690, OMIM 614325.

Submission:

Labcorp Genetics (formerly Invitae), Labcorp
Classification: Uncertain significance for Pitt-Hopkins-like syndrome 2. Last evaluated: 2022-02-05. Review status: criteria provided, single submitter. Criteria: Invitae Variant Classification Sherloc (09022015). Collection method: clinical testing. Allele origin: germline.
Comment: In summary, the available evidence is currently insufficient to determine the role of this variant in disease. Therefore, it has been classified as a Variant of Uncertain Significance. Algorithms developed to predict the effect of missense changes on protein structure and function (SIFT, PolyPhen-2, Align-GVGD) all suggest that this variant is likely to be tolerated. This variant has not been reported in the literature in individuals affected with NRXN1-related conditions. This variant is not present in population databases (gnomAD no frequency). This sequence change replaces threonine, which is neutral and polar, with alanine, which is neutral and non-polar, at codon 600 of the NRXN1 protein (p.Thr600Ala).

NM_001330078.2(NRXN1):c.1678A>G (p.Thr560Ala)

Gene: NRXN1 (neurexin 1; minus strand). Cytogenetic location: 2p16.3.
Variant type: single nucleotide variant.
Coding change: c.1678A>G on transcript NM_001330078.2 (MANE Select); coding-DNA position 1678, A replaced by G.
Protein change: p.Thr560Ala; replaces threonine 560 with alanine.
Molecular consequence: missense variant.
Genome position (GRCh38, 1-based): chr2:50,552,668, T>C on the plus strand (A>G on the coding strand, the complement: NRXN1 is on the minus strand). VCF-style: chr2-50552668-T-C. GRCh37 (hg19) VCF-style: chr2-50779806-T-C.
Other names: c.1798A>G, p.Thr600Ala (NM_001135659.3); c.1654A>G, p.Thr552Ala (NM_001330077.2, NM_001330082.2, NM_001330095.2); c.1639A>G, p.Thr547Ala (NM_001330083.2, NM_001330084.2); c.1678A>G, p.Thr560Ala (NM_001330085.2, NM_001330086.2, NM_004801.6); c.1594A>G, p.Thr532Ala (NM_001330087.2, NM_001330096.2); c.1624A>G, p.Thr542Ala (NM_001330088.2); c.1675A>G, p.Thr559Ala (NM_001330093.2); c.1666A>G, p.Thr556Ala (NM_001330094.2); short protein forms T559A, T560A, T552A, T600A, T532A, T542A, T547A, T556A.
Identifiers: ClinVar variation 1414290 (VCV001414290.8), dbSNP rs2105344604, ClinGen allele CA346773059.
Genomic context (GRCh38, chr2:50,552,668, plus strand): 5'-AGTCCACATGATACCATTCTCCATCATTCACTTTCTTCAACAGGGCTTTTATTTTTATAG[T>C]ACCTGACCCCATGTCCAGGAGGAGGTAGAGGTGGCCATCTAGCATCTCAATAGCAAAGAA-3'
Protein context (NP_001317007.1, residues 550-570): LYLLLDMGSG[Thr560Ala]IKIKALLKKV